The following is an entry in ClinVar:

ClinVar aggregate classification (germline): Pathogenic (1 of 4 stars; one submission).

Conditions:
Hereditary breast ovarian cancer syndrome. Also called: Hereditary breast and ovarian cancer syndrome (HBOC); Hereditary breast and ovarian cancer syndrome; Breast and ovarian cancer; Hereditary breast and/or ovarian cancer syndrome; Hereditary breast and ovarian cancer; BRCA1- and BRCA2-Associated Hereditary Breast and Ovarian Cancer. Identifiers: Orphanet 145, MedGen C0677776, MeSH D061325, MONDO:0003582. Disease mechanism: loss of function.

Submission:

Labcorp Genetics (formerly Invitae), Labcorp
Classification: Pathogenic for Hereditary breast ovarian cancer syndrome. Last evaluated: 2018-01-24. Review status: criteria provided, single submitter. Criteria: Invitae Variant Classification Sherloc (09022015). Collection method: clinical testing. Allele origin: germline.
Comment: For these reasons, this variant has been classified as Pathogenic. Loss-of-function variants in BRCA1, including gross deletions, are known to be pathogenic. A similar deletion of exons 2-6, reported as deletion of exons 1-7 in the literature, has been reported in families with breast and/or ovarian cancer (PMID: 18431737, 24825132). This variant is a gross deletion of the genomic region encompassing exons 2-6 of the BRCA1 gene, which includes the initiator codon. The 5' end of this event is unknown as it extends beyond the assayed region for this gene and therefore may encompass additional genes. The 3' boundary is likely confined to intron 6 of the BRCA1 gene. This is expected to result in an absent or disrupted protein product.

Literature cited by the submitters: PubMed 18431737; PubMed 24825132.

NC_000017.11:g.(?_43104116)_(43124102_?)del

Genes: BRCA1 (BRCA1 DNA repair associated; minus strand), LOC110485084 (BRCA1 intronic recombination region; plus strand), LOC111589216 (BRCA1 intron 2 regulatory region; plus strand). Cytogenetic location: 17q21.31.
Variant type: Deletion.
Identifiers: ClinVar variation 462207 (VCV000462207.3).